The following is an entry in ClinVar:

NM_000455.5(STK11):c.354_362del (p.Tyr118_Glu121delinsTer)

Gene: STK11 (serine/threonine kinase 11; plus strand). Cytogenetic location: 19p13.3.
Variant type: Deletion.
Coding change: c.354_362del on transcript NM_000455.5 (MANE Select); coding-DNA positions 354 to 362, 9 bases deleted (CAACGAAGA; older notation c.354_362delCAACGAAGA).
Protein change: p.Tyr118_Glu121delinsTer.
Molecular consequence: nonsense.
Genome position (GRCh38, 1-based): chr19:1,218,480-1,218,488, CAACGAAGA deleted; deleting any 9 consecutive bases within chr19:1,218,479-1,218,488 gives the same sequence; the c. name uses the placement nearest the transcript's 3' end. VCF-style (leftmost placement, unchanged base first): chr19-1218478-TACAACGAAG-T. GRCh37 (hg19) VCF-style: chr19-1218477-TACAACGAAG-T.
Identifiers: ClinVar variation 1073428 (VCV001073428.9), dbSNP rs2145420792, ClinGen allele CA2499225341.
Genomic context (GRCh38, chr19:1,218,478, plus strand): 5'-GAAATTCAACTACTGAGGAGGTTACGGCACAAAAATGTCATCCAGCTGGTGGATGTGTTA[TACAACGAAG>T]AGAAGCAGAAAATATATCCTTTCCGGTGTTGGGACCGCGGGGCCTCCGTGGGAGGGGCTG-3'

ClinVar aggregate classification (germline): Pathogenic (1 of 4 stars; one submission).

Conditions:
Peutz-Jeghers syndrome (PJS). Also called: POLYPOSIS, HAMARTOMATOUS INTESTINAL; POLYPS-AND-SPOTS SYNDROME; Peutz-Jeghers polyposis; Periorificial lentiginosis syndrome. Identifiers: Orphanet 2869, MedGen C0031269, MeSH D010580, MONDO:0008280, OMIM 175200.

Submission:

Labcorp Genetics (formerly Invitae), Labcorp
Classification: Pathogenic for Peutz-Jeghers syndrome. Last evaluated: 2020-10-09. Review status: criteria provided, single submitter. Criteria: Invitae Variant Classification Sherloc (09022015). Collection method: clinical testing. Allele origin: germline.
Comment: For these reasons, this variant has been classified as Pathogenic. Loss-of-function variants in STK11 are known to be pathogenic (PMID: 15188174, 16287113). A different variant (c.354C>G) giving rise to the same protein effect observed here (p.Tyr118*) has been determined to be pathogenic (PMID: 15863673, 30092773). This suggests that this variant is also likely to be causative of disease. This variant is not present in population databases (ExAC no frequency). This sequence change creates a premature translational stop signal (p.Tyr118*) in the STK11 gene. It is expected to result in an absent or disrupted protein product.

Literature cited by the submitters: PubMed 15188174; PubMed 16287113; PubMed 15863673; PubMed 30092773.